The following is an entry in ClinVar:

ClinVar aggregate classification (germline): Uncertain significance. Review status: criteria provided, multiple submitters, no conflicts (2 of 4 stars). 2 submissions from 2 submitters: Uncertain significance (2). Last evaluated 2025-03-05.

Conditions:
Hereditary cancer-predisposing syndrome. Also called: Tumor predisposition; Hereditary Cancer Syndrome; Hereditary neoplastic syndrome; Neoplastic Syndromes, Hereditary. Identifiers: Orphanet 140162, MedGen C0027672, MeSH D009386, MONDO:0015356.

Submissions (2):

Ambry Genetics
Classification: Uncertain significance for Hereditary cancer-predisposing syndrome. Last evaluated: 2025-03-05. Review status: criteria provided, single submitter. Criteria: Ambry Variant Classification Scheme 2023. Collection method: clinical testing. Allele origin: germline.
Comment: The p.K1089E variant (also known as c.3265A>G), located in coding exon 23 of the MSH3 gene, results from an A to G substitution at nucleotide position 3265. The lysine at codon 1089 is replaced by glutamic acid, an amino acid with similar properties. This amino acid position is conserved. In addition, the in silico prediction for this alteration is inconclusive. Based on the available evidence, the clinical significance of this variant remains unclear.

Labcorp Genetics (formerly Invitae), Labcorp
Classification: Uncertain significance. Last evaluated: 2022-11-01. Review status: criteria provided, single submitter. Criteria: Invitae Variant Classification Sherloc (09022015). Collection method: clinical testing. Allele origin: germline.
Comment: This sequence change replaces lysine, which is basic and polar, with glutamic acid, which is acidic and polar, at codon 1089 of the MSH3 protein (p.Lys1089Glu). This variant is not present in population databases (gnomAD no frequency). This variant has not been reported in the literature in individuals affected with MSH3-related conditions. ClinVar contains an entry for this variant (Variation ID: 1443263). Algorithms developed to predict the effect of missense changes on protein structure and function are either unavailable or do not agree on the potential impact of this missense change (SIFT: "Tolerated"; PolyPhen-2: "Probably Damaging"; Align-GVGD: "Class C0"). In summary, the available evidence is currently insufficient to determine the role of this variant in disease. Therefore, it has been classified as a Variant of Uncertain Significance.

NM_002439.5(MSH3):c.3265A>G (p.Lys1089Glu)

Gene: MSH3 (mutS homolog 3; plus strand). Cytogenetic location: 5q14.1.
Variant type: single nucleotide variant.
Coding change: c.3265A>G on transcript NM_002439.5 (MANE Select); coding-DNA position 3265, A replaced by G.
Protein change: p.Lys1089Glu; replaces lysine 1089 with glutamic acid.
Molecular consequence: missense variant.
Genome position (GRCh38, 1-based): chr5:80,873,250, A>G. VCF-style: chr5-80873250-A-G. GRCh37 (hg19) VCF-style: chr5-80169069-A-G.
Other names: c.3265A>G (NM_002439.3); short protein forms K1089E.
Identifiers: ClinVar variation 1443263 (VCV001443263.7), dbSNP rs979702683, ClinGen allele CA360347061.